The following is an entry in ClinVar:

ClinVar aggregate classification (germline): Likely benign. Review status: criteria provided, multiple submitters, no conflicts (2 of 4 stars). 3 submissions from 3 submitters: Likely benign (2). 1 of the submissions does not count toward it. Last evaluated 2024-01-29.

Conditions:
CREBBP-related disorder. Also called: CREBBP-related condition; CREBBP-related disorders.
Rubinstein-Taybi syndrome (RSTS). Identifiers: Orphanet 783, MedGen C0035934, MONDO:0019188.
Inborn genetic diseases. Identifiers: MedGen C0950123, MeSH D030342.

Allele frequency attached by ClinVar (database versions not stated): ExAC 0.00001; gnomAD 0.00002; TOPMed 0.00003; gnomAD exomes 0.00007.

Submissions (3):

Labcorp Genetics (formerly Invitae), Labcorp
Classification: Likely benign for Rubinstein-Taybi syndrome. Last evaluated: 2024-01-29. Review status: criteria provided, single submitter. Criteria: Invitae Variant Classification Sherloc (09022015). Collection method: clinical testing. Allele origin: germline.

Ambry Genetics
Classification: Likely benign for Inborn genetic diseases. Last evaluated: 2018-03-10. Review status: criteria provided, single submitter. Criteria: Ambry Variant Classification Scheme 2023. Collection method: clinical testing. Allele origin: germline.

PreventionGenetics, part of Exact Sciences
Classification: Likely benign for CREBBP-related condition. Last evaluated: 2024-07-20. Review status: no assertion criteria provided. Collection method: clinical testing. Allele origin: germline. Not counted in ClinVar's aggregate classification.
Comment: This variant is classified as likely benign based on ACMG/AMP sequence variant interpretation guidelines (Richards et al. 2015 PMID: 25741868, with internal and published modifications).

NM_004380.3(CREBBP):c.4068G>A (p.Glu1356=)

Gene: CREBBP (CREB binding lysine acetyltransferase; minus strand). Cytogenetic location: 16p13.3.
Variant type: single nucleotide variant.
Coding change: c.4068G>A on transcript NM_004380.3 (MANE Select); coding-DNA position 4068, G replaced by A.
Protein change: p.Glu1356=; no amino-acid change (glutamic acid 1356 retained).
Molecular consequence: synonymous variant.
Genome position (GRCh38, 1-based): chr16:3,740,464, C>T on the plus strand (G>A on the coding strand, the complement: CREBBP is on the minus strand). VCF-style: chr16-3740464-C-T. GRCh37 (hg19) VCF-style: chr16-3790465-C-T.
Other names: c.3954G>A, p.Glu1318= (NM_001079846.1).
Identifiers: ClinVar variation 1737515 (VCV001737515.6), dbSNP rs770452365, ClinGen allele CA7869625.
Genomic context (GRCh38, chr16:3,740,464, plus strand): 5'-CTTCATCCCGGGCTTGACCTCCACCGTCTTGTCTGAGCTGGCCACCACTCGGACAAAAAC[C>T]TCCCCGGCTTCAGGGTGATTCTGGCGCCGCAAAAATTTGTTCACTCGGTCTTCCAAGTGG-3'
Protein context (NP_004371.2, residues 1346-1366): LRRQNHPEAG[Glu1356=]VFVRVVASSD